The following is an entry in ClinVar:

ClinVar aggregate classification (germline): Uncertain significance (1 of 4 stars; one submission).

Conditions:
Developmental and epileptic encephalopathy, 1 (DEE1). Also called: X-linked infantile spasms; West's syndrome; Tonic spasms with clustering, arrest of psychomotor development and hypsarrhythmia on EEG; X-Linked Infantile Spasm Syndrome; OHTAHARA SYNDROME, X-LINKED; Epileptic encephalopathy, early infantile, 1. Identifiers: MedGen C3463992, MONDO:0010632, OMIM 308350. Disease mechanism: loss of function.
Autosomal dominant nonsyndromic hearing loss 65. Also called: Deafness, autosomal dominant 65; TBC1D24-Related Autosomal Dominant Nonsyndromic Hearing Loss (DFNA). Identifiers: Orphanet 90635, MedGen C3892048, MONDO:0014470, OMIM 616044.

Allele frequency attached by ClinVar (database versions not stated): gnomAD 0.00004 and 0.00005; gnomAD exomes 0.00001; TOPMed 0.00002; ExAC 0.00002.

Submission:

Labcorp Genetics (formerly Invitae), Labcorp
Classification: Uncertain significance for Developmental and epileptic encephalopathy, 1; Autosomal dominant nonsyndromic hearing loss 65. Last evaluated: 2020-10-06. Review status: criteria provided, single submitter. Criteria: Invitae Variant Classification Sherloc (09022015). Collection method: clinical testing. Allele origin: germline.
Comment: This sequence change replaces methionine with leucine at codon 198 of the TBC1D24 protein (p.Met198Leu). The methionine residue is moderately conserved and there is a small physicochemical difference between methionine and leucine. This variant is present in population databases (rs779920318, ExAC 0.02%). This variant has not been reported in the literature in individuals with TBC1D24-related conditions. Advanced modeling of protein sequence and biophysical properties (such as structural, functional, and spatial information, amino acid conservation, physicochemical variation, residue mobility, and thermodynamic stability) performed at Invitae indicates that this missense variant is not expected to disrupt TBC1D24 protein function. In summary, the available evidence is currently insufficient to determine the role of this variant in disease. Therefore, it has been classified as a Variant of Uncertain Significance.

NM_001199107.2(TBC1D24):c.592A>T (p.Met198Leu)

Gene: TBC1D24 (TBC1 domain family member 24; plus strand). Cytogenetic location: 16p13.3.
Variant type: single nucleotide variant.
Coding change: c.592A>T on transcript NM_001199107.2 (MANE Select); coding-DNA position 592, A replaced by T.
Protein change: p.Met198Leu; replaces methionine 198 with leucine.
Molecular consequence: missense variant.
Genome position (GRCh38, 1-based): chr16:2,496,740, A>T. VCF-style: chr16-2496740-A-T. GRCh37 (hg19) VCF-style: chr16-2546741-A-T.
Other names: c.592A>T, p.Met198Leu (NM_020705.3); short protein forms M198L.
Identifiers: ClinVar variation 1004994 (VCV001004994.9), dbSNP rs779920318, ClinGen allele CA7844026.